The following is an entry in ClinVar:

ClinVar aggregate classification (germline): Uncertain significance. Review status: criteria provided, multiple submitters, no conflicts (2 of 4 stars). 8 submissions from 8 submitters: Uncertain significance (8). Last evaluated 2025-10-01.

Conditions:
Inborn genetic diseases. Identifiers: MedGen C0950123, MeSH D030342.
Megalencephalic leukoencephalopathy with subcortical cysts 1 (MLC1). Also called: LEUKOENCEPHALOPATHY WITH SWELLING AND CYSTS; VACUOLATING MEGALENCEPHALIC LEUKOENCEPHALOPATHY WITH SUBCORTICAL CYSTS. Identifiers: Orphanet 2478, MedGen C5779875, MONDO:0024555, OMIM 604004.

Allele frequency attached by ClinVar (database versions not stated): gnomAD exomes 0.00002 and 0.00004; ExAC 0.00003; TOPMed 0.00003; gnomAD 0.00004.
gnomAD v4.1: 39 of 1,613,750 alleles (0.0024%); highest among the groups gnomAD compares: Middle Eastern, 0.066%; no homozygotes.

Submissions (8):

Labcorp Genetics (formerly Invitae), Labcorp
Classification: Uncertain significance. Last evaluated: 2025-10-01. Review status: criteria provided, single submitter. Criteria: Invitae Variant Classification Sherloc (09022015). Collection method: clinical testing. Allele origin: germline.
Comment: This sequence change replaces aspartic acid, which is acidic and polar, with asparagine, which is neutral and polar, at codon 363 of the MLC1 protein (p.Asp363Asn). This variant is present in population databases (rs779971307, gnomAD 0.006%). This variant has not been reported in the literature in individuals affected with MLC1-related conditions. ClinVar contains an entry for this variant (Variation ID: 522910). Invitae Evidence Modeling of protein sequence and biophysical properties (such as structural, functional, and spatial information, amino acid conservation, physicochemical variation, residue mobility, and thermodynamic stability) indicates that this missense variant is not expected to disrupt MLC1 protein function with a negative predictive value of 80%. In summary, the available evidence is currently insufficient to determine the role of this variant in disease. Therefore, it has been classified as a Variant of Uncertain Significance.

Blueprint Genetics
Classification: Uncertain significance. Last evaluated: 2024-07-22. Review status: criteria provided, single submitter. Criteria: ACMG Guidelines, 2015. Collection method: clinical testing. Allele origin: germline.

Ambry Genetics
Classification: Uncertain significance for Inborn genetic diseases. Last evaluated: 2022-07-13. Review status: criteria provided, single submitter. Criteria: Ambry Variant Classification Scheme 2023. Collection method: clinical testing. Allele origin: germline.

Fulgent Genetics
Classification: Uncertain significance for Megalencephalic leukoencephalopathy with subcortical cysts 1. Last evaluated: 2022-01-14. Review status: criteria provided, single submitter. Criteria: ACMG Guidelines, 2015. Collection method: clinical testing. Allele origin: unknown.

Genome-Nilou Lab
Classification: Uncertain significance for Megalencephalic leukoencephalopathy with subcortical cysts 1. Last evaluated: 2021-07-22. Review status: criteria provided, single submitter. Criteria: ACMG Guidelines, 2015. Collection method: clinical testing. Allele origin: germline. Affected: no.

Genomic Research Center, Shahid Beheshti University of Medical Sciences
Classification: Uncertain significance for Megalencephalic leukoencephalopathy with subcortical cysts 1. Last evaluated: 2020-05-03. Review status: criteria provided, single submitter. Criteria: ACMG Guidelines, 2015. Collection method: clinical testing. Allele origin: unknown.

Illumina Laboratory Services, Illumina
Classification: Uncertain significance for Megalencephalic leukoencephalopathy with subcortical cysts 1. Last evaluated: 2018-01-13. Review status: criteria provided, single submitter. Criteria: ICSL Variant Classification Criteria 13 December 2019. Collection method: clinical testing. Allele origin: germline.

Breakthrough Genomics
Classification: Uncertain significance. Review status: criteria provided, single submitter. Criteria: ACMG Guidelines, 2015. Collection method: not provided. Allele origin: germline. Inheritance: Autosomal dominant inheritance. Affected: yes.

NM_015166.4(MLC1):c.1087G>A (p.Asp363Asn)

Gene: MLC1 (modulator of VRAC current 1; minus strand). Cytogenetic location: 22q13.33.
Variant type: single nucleotide variant.
Coding change: c.1087G>A on transcript NM_015166.4 (MANE Select); coding-DNA position 1087, G replaced by A.
Protein change: p.Asp363Asn; replaces aspartic acid 363 with asparagine.
Molecular consequence: missense variant. On other transcripts: non-coding transcript variant (3).
Genome position (GRCh38, 1-based): chr22:50,061,630, C>T on the plus strand (G>A on the coding strand, the complement: MLC1 is on the minus strand). VCF-style: chr22-50061630-C-T. GRCh37 (hg19) VCF-style: chr22-50500059-C-T.
Other names: c.1087G>A, p.Asp363Asn (NM_001376472.1, NM_001376473.1, NM_001376474.1 and 5 more transcripts); c.1030G>A, p.Asp344Asn (NM_001376479.1); c.997G>A, p.Asp333Asn (NM_001376480.1); c.985G>A, p.Asp329Asn (NM_001376481.1); c.931G>A, p.Asp311Asn (NM_001376482.1, NM_001376483.1); c.850G>A, p.Asp284Asn (NM_001376484.1); short protein forms D363N, D284N, D311N, D329N, D333N, D344N.
Identifiers: ClinVar variation 522910 (VCV000522910.15), dbSNP rs779971307, ClinGen allele CA10303201.